The following is an entry in ClinVar:

ClinVar aggregate classification (germline): Likely pathogenic (1 of 4 stars; one submission).

Conditions:
X-linked Alport syndrome (ATS1). Also called: NEPHROPATHY AND DEAFNESS, X-LINKED; COL4A5-Related Nephropathy. Identifiers: Orphanet 63, Orphanet 88917, MedGen C4746986, MONDO:0010520, OMIM 301050.

Submission:

Precision Medicine Center, Zhengzhou University
Classification: Likely pathogenic for X-linked Alport syndrome. Last evaluated: 2023-12-01. Review status: criteria provided, single submitter. Criteria: ACMG Guidelines, 2015. Collection method: clinical testing. Allele origin: maternal. Affected: yes.
Comment: PM1_strong,PM2_p,PP3,PP4

NM_033380.3(COL4A5):c.1207G>A (p.Gly403Arg)

Gene: COL4A5 (collagen type IV alpha 5 chain; plus strand). Cytogenetic location: Xq22.3.
Variant type: single nucleotide variant.
Coding change: c.1207G>A on transcript NM_033380.3 (MANE Select); coding-DNA position 1207, G replaced by A.
Protein change: p.Gly403Arg; replaces glycine 403 with arginine.
Molecular consequence: missense variant.
Genome position (GRCh38, 1-based): chrX:108,591,099, G>A. VCF-style: chrX-108591099-G-A. GRCh37 (hg19) VCF-style: chrX-107834329-G-A.
Other names: c.1207G>A, p.Gly403Arg (NM_000495.5); short protein forms G403R.
Identifiers: ClinVar variation 2681735 (VCV002681735.2), dbSNP rs2524282171.